The following is an entry in ClinVar:

ClinVar aggregate classification (germline): Pathogenic (1 of 4 stars; one submission).

Conditions:
Myoclonic dystonia 11 (DYT11). Also called: DYT-SGCE; Myoclonic dystonia; Dystonia 11; Dystonia, alcohol responsive; Hereditary essential myoclonus; SGCE Myoclonus-Dystonia. Identifiers: Orphanet 36899, MedGen C1834570, MONDO:0008044, OMIM 159900.

Submission:

Labcorp Genetics (formerly Invitae), Labcorp
Classification: Pathogenic for Myoclonic dystonia 11. Last evaluated: 2023-12-12. Review status: criteria provided, single submitter. Criteria: Invitae Variant Classification Sherloc (09022015). Collection method: clinical testing. Allele origin: germline.
Comment: This sequence change creates a premature translational stop signal (p.Ile85Asnfs*3) in the SGCE gene. It is expected to result in an absent or disrupted protein product. Loss-of-function variants in SGCE are known to be pathogenic (PMID: 12821748, 15389977, 17853490, 24297365). This variant is not present in population databases (gnomAD no frequency). This variant has not been reported in the literature in individuals affected with SGCE-related conditions. For these reasons, this variant has been classified as Pathogenic.

Literature cited by the submitters: PubMed 12821748; PubMed 15389977; PubMed 17853490; PubMed 24297365.

NM_003919.3(SGCE):c.252_253del (p.Ile85fs)

Genes: CASD1 (CAS1 domain sialic acid O acetyltransferase 1; plus strand), SGCE (sarcoglycan epsilon; minus strand). Cytogenetic location: 7q21.3.
Variant type: Deletion.
Coding change: c.252_253del on transcript NM_003919.3 (MANE Select); coding-DNA positions 252 to 253, 2 bases deleted (CA; older notation c.252_253delCA).
Protein change: p.Ile85fs; shifts the reading frame from isoleucine 85.
Molecular consequence: frameshift variant. On other transcripts: 5 prime UTR variant (2).
Genome position (GRCh38, 1-based): chr7:94,628,339-94,628,340, TG deleted on the plus strand (CA on the coding strand, the reverse complement: SGCE is on the minus strand). VCF-style (leftmost placement, unchanged base first): chr7-94628338-ATG-A. GRCh37 (hg19) VCF-style: chr7-94257650-ATG-A.
Other names: c.252_253del, p.Ile85fs (NM_001099400.2, NM_001099401.2, NM_001346717.2); c.129_130del, p.Ile44fs (NM_001301139.2, NM_001362809.2); c.360_361del, p.Ile121fs (NM_001346713.2, NM_001346715.2); c.165_166del, p.Ile56fs (NM_001346719.2, NM_001362807.2); c.-22_-21del (NM_001346720.2, NM_001362808.2); short protein forms I44fs, I56fs, I85fs, I121fs.
Identifiers: ClinVar variation 2702532 (VCV002702532.3), dbSNP rs2485169694, ClinGen allele CA2697557431.
Genomic context (GRCh38, chr7:94,628,338, plus strand): 5'-TGGATATATCGAAGCCATCCAGGTCGGTCTGGGTAACCCATTAAATTTGTATTAAATGTT[ATG>A]GGATCATTACTAATCTCGCCTAGATAAGAAACAGAGAATTAAGACATAAGACAGTTATTT-3'